The following is an entry in ClinVar:

NM_001353345.2(SETD1B):c.2328G>C (p.Gln776His)

Gene: SETD1B (SET domain containing 1B, histone lysine methyltransferase; plus strand). Cytogenetic location: 12q24.31.
Variant type: single nucleotide variant.
Coding change: c.2328G>C on transcript NM_001353345.2 (MANE Select); coding-DNA position 2328, G replaced by C.
Protein change: p.Gln776His; replaces glutamine 776 with histidine.
Molecular consequence: missense variant.
Genome position (GRCh38, 1-based): chr12:121,814,543, G>C. VCF-style: chr12-121814543-G-C. GRCh37 (hg19) VCF-style: chr12-122252449-G-C.
Other names: short protein forms Q776H.
Identifiers: ClinVar variation 1173037 (VCV001173037.1), dbSNP rs2137560999, ClinGen allele CA386994419.

ClinVar aggregate classification (germline): Uncertain significance (1 of 4 stars; one submission).

gnomAD v4.1: 1 of 1,488,666 alleles (0.000067%); no homozygotes.

Submission:

GeneDx
Classification: Uncertain significance. Last evaluated: 2020-05-01. Review status: criteria provided, single submitter. Criteria: GeneDx Variant Classification (06012015). Collection method: clinical testing. Allele origin: germline. Affected: yes.
Comment: Not observed in large population cohorts (Lek et al., 2016) In silico analysis supports that this missense variant has a deleterious effect on protein structure/function Has not been previously published as pathogenic or benign to our knowledge